The following is an entry in ClinVar:

ClinVar aggregate classification (germline): Conflicting classifications of pathogenicity. Review status: criteria provided, conflicting classifications (1 of 4 stars). 2 submissions from 2 submitters: Uncertain significance (1); Benign (1). Last evaluated 2026-01-27.

Conditions:
RAI1-related disorder. Also called: RAI1-related condition.

Allele frequency attached by ClinVar (database versions not stated): gnomAD 0.00006 and 0.00007; 1000 Genomes Project 30x 0.00016; 1000 Genomes Project 0.00020.
gnomAD v4.1: 24 of 1,612,914 alleles (0.0015%); highest among the groups gnomAD compares: African/African-American, 0.024%; no homozygotes.

Submissions (2):

Labcorp Genetics (formerly Invitae), Labcorp
Classification: Benign. Last evaluated: 2026-01-27. Review status: criteria provided, single submitter. Criteria: Invitae Variant Classification Sherloc (09022015). Collection method: clinical testing. Allele origin: germline.

PreventionGenetics, part of Exact Sciences
Classification: Uncertain significance for RAI1-related condition. Last evaluated: 2024-11-22. Review status: criteria provided, single submitter. Criteria: ACMG Guidelines, 2015. Collection method: clinical testing. Allele origin: germline.
Comment: The RAI1 c.397C>T variant is predicted to result in the amino acid substitution p.Pro133Ser. To our knowledge, this variant has not been reported in the literature. This variant is reported in 0.017% of alleles in individuals of African descent in gnomAD. Although we suspect that this variant may be benign, at this time, the clinical significance of this variant is uncertain due to the absence of conclusive functional and genetic evidence.

NM_030665.4(RAI1):c.397C>T (p.Pro133Ser)

Gene: RAI1 (retinoic acid induced 1; plus strand). Cytogenetic location: 17p11.2.
Variant type: single nucleotide variant.
Coding change: c.397C>T on transcript NM_030665.4 (MANE Select); coding-DNA position 397, C replaced by T.
Protein change: p.Pro133Ser; replaces proline 133 with serine.
Molecular consequence: missense variant.
Genome position (GRCh38, 1-based): chr17:17,793,345, C>T. VCF-style: chr17-17793345-C-T. GRCh37 (hg19) VCF-style: chr17-17696659-C-T.
Other names: c.397C>T (NM_030665.3); short protein forms P133S.
Identifiers: ClinVar variation 1357278 (VCV001357278.9), dbSNP rs183251531, ClinGen allele CA8418116.
Genomic context (GRCh38, chr17:17,793,345, plus strand): 5'-GCTGGTGAGGAGAGCCTTCAGGCTTGGGGGGCCCCACAGCCACCACCCCCACAGCCGCAG[C>T]CACTACCTGCAGGGGTGGCCAAGTATGATGAGAACTTGATGAAAAAGACAGCAGTGCCCC-3'
Protein context (NP_109590.3, residues 123-143): APQPPPPQPQ[Pro133Ser]LPAGVAKYDE